The following is an entry in ClinVar:

ClinVar aggregate classification (germline): Pathogenic. Review status: reviewed by expert panel (3 of 4 stars). 2 submissions from 2 submitters: Pathogenic (1). 1 of the submissions does not count toward it. Last evaluated 2016-09-08.

Conditions:
Breast-ovarian cancer, familial, susceptibility to, 1 (BROVCA1). Also called: BRCA1 Hereditary Breast and Ovarian Cancer; OVARIAN CANCER, SUSCEPTIBILITY TO. Identifiers: Orphanet 145, MedGen C2676676, MONDO:0011450, OMIM 604370. Disease mechanism: loss of function.

Submissions (2):

Evidence-based Network for the Interpretation of Germline Mutant Alleles (ENIGMA)
Classification: Pathogenic for Breast-ovarian cancer, familial, susceptibility to, 1. Last evaluated: 2016-09-08. Review status: reviewed by expert panel. Criteria: ENIGMA BRCA1/2 Classification Criteria (2015). Collection method: curation. Allele origin: germline.
Comment: Variant allele predicted to encode a truncated non-functional protein.

Breast Cancer Information Core (BIC) (BRCA1)
Classification: Pathogenic for Breast-ovarian cancer, familial 1. Last evaluated: 2003-12-23. Review status: no assertion criteria provided. Collection method: clinical testing. Allele origin: germline. Affected: yes. Observed: 1 variant allele. Not counted in ClinVar's aggregate classification.

NM_007294.4(BRCA1):c.4944_4945del (p.Arg1649fs)

Gene: BRCA1 (BRCA1 DNA repair associated; minus strand). Cytogenetic location: 17q21.31.
Variant type: Deletion.
Coding change: c.4944_4945del on transcript NM_007294.4 (MANE Select); coding-DNA positions 4944 to 4945, 2 bases deleted (AA; older notation c.4944_4945delAA).
Protein change: p.Arg1649fs; shifts the reading frame from arginine 1649.
Molecular consequence: frameshift variant. On other transcripts: non-coding transcript variant (1).
Genome position (GRCh38, 1-based): chr17:43,070,969-43,070,970, TT deleted on the plus strand (AA on the coding strand, the reverse complement: BRCA1 is on the minus strand); deleting any 2 consecutive bases within chr17:43,070,969-43,070,972 gives the same sequence; the c. name uses the placement nearest the transcript's 3' end. VCF-style (leftmost placement, unchanged base first): chr17-43070968-CTT-C. GRCh37 (hg19) VCF-style: chr17-41222985-CTT-C.
Other names: 5063delAA; c.4944_4945delAA (NM_007294.3); c.4729_4730delAA, p.Arg1578Asnfs (NM_001407571.1, NM_001407894.1, NM_001407895.1 and 12 more transcripts); c.5008_5009delAA, p.Arg1671Asnfs (NM_001407581.1, NM_001407582.1); c.5005_5006delAA, p.Arg1670Asnfs (NM_001407583.1, NM_001407585.1, NM_001407587.1); c.5002_5003delAA, p.Arg1669Asnfs (NM_001407590.1, NM_001407591.1); c.4942_4943delAA, p.Arg1649Asnfs (NM_001407593.1, NM_001407594.1, NM_001407596.1 and 8 more transcripts); c.4939_4940delAA, p.Arg1648Asnfs (NM_001407610.1, NM_001407611.1, NM_001407612.1 and 17 more transcripts); and 75 more; short protein forms R1649fs, R1602fs, R1670fs, R545fs.
Identifiers: ClinVar variation 125737 (VCV000125737.3), dbSNP rs80357655, ClinGen allele CA003095.